The following is an entry in ClinVar:

NM_025257.3(SLC44A4):c.599C>T (p.Thr200Ile)

Gene: SLC44A4 (solute carrier family 44 member 4; minus strand). Cytogenetic location: 6p21.33.
Variant type: single nucleotide variant.
Coding change: c.599C>T on transcript NM_025257.3 (MANE Select); coding-DNA position 599, C replaced by T.
Protein change: p.Thr200Ile; replaces threonine 200 with isoleucine.
Molecular consequence: missense variant.
Genome position (GRCh38, 1-based): chr6:31,871,492, G>A on the plus strand (C>T on the coding strand, the complement: SLC44A4 is on the minus strand). VCF-style: chr6-31871492-G-A. GRCh37 (hg19) VCF-style: chr6-31839269-G-A.
Other names: c.473C>T, p.Thr158Ile (NM_001178044.2); c.371C>T, p.Thr124Ile (NM_001178045.2); c.599C>T, p.Thr200Ile (NM_032794.1); short protein forms T124I, T200I, T158I.
Identifiers: ClinVar variation 2071061 (VCV002071061.7), dbSNP rs558673226, ClinGen allele CA3725643.
Genomic context (GRCh38, chr6:31,871,492, plus strand): 5'-TGGAAGGGGTGTGGCCAGGATGTGGGGGAGGGAGGTGCCTACCTGATCCCCTGCTGTATG[G>A]TGGTGTCATTGGTGATCCCTGGGAGCGCCGGTGGAGTAACGTTGGTCCATGGAAAGCAGC-3'
Protein context (NP_079533.2, residues 190-210): PALPGITNDT[Thr200Ile]IQQGISGLID

ClinVar aggregate classification (germline): Uncertain significance. Review status: criteria provided, multiple submitters, no conflicts (2 of 4 stars). 3 submissions from 3 submitters: Uncertain significance (3). Last evaluated 2026-08-26.

Conditions:
SLC44A4-related disorder. Also called: SLC44A4-related condition.

Allele frequency attached by ClinVar (database versions not stated): ExAC 0.00001; gnomAD 0.00005; TOPMed 0.00005.
gnomAD v4.1: 61 of 1,613,920 alleles (0.0038%); highest among the groups gnomAD compares: Non-Finnish European, 0.0051%; no homozygotes.

Submissions (3):

PreventionGenetics, part of Exact Sciences
Classification: Uncertain significance for SLC44A4-related condition. Last evaluated: 2026-08-26. Review status: criteria provided, single submitter. Criteria: ACMG Guidelines, 2015. Collection method: clinical testing. Allele origin: germline.
Comment: The SLC44A4 c.599C>T variant is predicted to result in the amino acid substitution p.Thr200Ile. To our knowledge, this variant has not been reported in the literature. This variant is reported in 0.0046% of alleles in individuals of European (Non-Finnish) descent in gnomAD. At this time, the clinical significance of this variant is uncertain due to the absence of conclusive functional and genetic evidence.

Labcorp Genetics (formerly Invitae), Labcorp
Classification: Uncertain significance. Last evaluated: 2025-07-28. Review status: criteria provided, single submitter. Criteria: Invitae Variant Classification Sherloc (09022015). Collection method: clinical testing. Allele origin: germline.
Comment: This sequence change replaces threonine, which is neutral and polar, with isoleucine, which is neutral and non-polar, at codon 200 of the SLC44A4 protein (p.Thr200Ile). This variant is present in population databases (rs558673226, gnomAD 0.004%). This variant has not been reported in the literature in individuals affected with SLC44A4-related conditions. ClinVar contains an entry for this variant (Variation ID: 2071061). Invitae Evidence Modeling of protein sequence and biophysical properties (such as structural, functional, and spatial information, amino acid conservation, physicochemical variation, residue mobility, and thermodynamic stability) indicates that this missense variant is not expected to disrupt SLC44A4 protein function with a negative predictive value of 80%. In summary, the available evidence is currently insufficient to determine the role of this variant in disease. Therefore, it has been classified as a Variant of Uncertain Significance.

Ambry Genetics
Classification: Uncertain significance. Last evaluated: 2024-08-05. Review status: criteria provided, single submitter. Criteria: Ambry Variant Classification Scheme 2023. Collection method: clinical testing. Allele origin: germline.